The following is an entry in ClinVar:

NM_001277115.2(DNAH11):c.6683+13C>G

Gene: DNAH11 (dynein axonemal heavy chain 11; plus strand). Cytogenetic location: 7p15.3.
Variant type: single nucleotide variant.
Coding change: c.6683+13C>G on transcript NM_001277115.2 (MANE Select); 13 bases into the intron after coding-DNA position 6683, C replaced by G.
Molecular consequence: intron variant.
Genome position (GRCh38, 1-based): chr7:21,707,848, C>G. VCF-style: chr7-21707848-C-G. GRCh37 (hg19) VCF-style: chr7-21747466-C-G.
Identifiers: ClinVar variation 226588 (VCV000226588.26), dbSNP rs17145077, ClinGen allele CA4180934.

ClinVar aggregate classification (germline): Benign/Likely benign. Review status: criteria provided, multiple submitters, no conflicts (2 of 4 stars). 6 submissions from 6 submitters: Benign (5); Likely benign (1). Last evaluated 2026-02-01.

Conditions:
Primary ciliary dyskinesia 7. Also called: CILIARY DYSKINESIA, PRIMARY, 7, WITH OR WITHOUT SITUS INVERSUS. Identifiers: Orphanet 244, MedGen C2678473, MONDO:0012748, OMIM 611884.
Primary ciliary dyskinesia. Also called: Ciliary dyskinesia. Identifiers: Orphanet 244, MedGen C0008780, MONDO:0016575, HP:0012265.

Allele frequency attached by ClinVar (database versions not stated): ESP Exome Variant Server 0.01120; 1000 Genomes Project 0.01258; 1000 Genomes Project 30x 0.01280; gnomAD 0.01337; TOPMed 0.01392.
gnomAD v4.1: 3,432 of 1,556,698 alleles (0.22%); highest among the groups gnomAD compares: African/African-American, 4.1%; 60 homozygotes.

Submissions (6):

Labcorp Genetics (formerly Invitae), Labcorp
Classification: Benign for Primary ciliary dyskinesia. Last evaluated: 2026-02-01. Review status: criteria provided, single submitter. Criteria: Invitae Variant Classification Sherloc (09022015). Collection method: clinical testing. Allele origin: germline.

Blueprint Genetics
Classification: Benign. Last evaluated: 2024-11-27. Review status: criteria provided, single submitter. Criteria: ACMG Guidelines, 2015. Collection method: clinical testing. Allele origin: germline.

ARUP Laboratories, Molecular Genetics and Genomics, ARUP Laboratories
Classification: Benign for Primary ciliary dyskinesia 7. Last evaluated: 2023-08-07. Review status: criteria provided, single submitter. Criteria: ARUP Molecular Germline Variant Investigation Process 2024. Collection method: clinical testing. Allele origin: germline.

GeneDx
Classification: Likely benign. Last evaluated: 2020-04-06. Review status: criteria provided, single submitter. Criteria: GeneDx Variant Classification Process June 2021. Collection method: clinical testing. Allele origin: germline. Affected: yes.

Laboratory for Molecular Medicine, Mass General Brigham Personalized Medicine
Classification: Benign. Last evaluated: 2013-02-21. Review status: criteria provided, single submitter. Criteria: LMM Criteria. Collection method: clinical testing. Allele origin: germline. Observed: 1 variant allele.
Comment: 6683+13C>G in intron 40 of DNAH11: This variant is not expected to have clinical significance because it is not located within the conserved splice consensus se quence. It has been identified in 3.6% (132/3686) of African American chromosome s from a broad population by the NHLBI Exome Sequencing Project (dbSNP rs17145077).

PreventionGenetics, part of Exact Sciences
Classification: Benign. Review status: criteria provided, single submitter. Criteria: ACMG Guidelines, 2015. Collection method: clinical testing. Allele origin: germline.